The following is an entry in ClinVar:

ClinVar aggregate classification (germline): Uncertain significance (1 of 4 stars; one submission).

Allele frequency attached by ClinVar (database versions not stated): gnomAD exomes below 0.00001.
gnomAD v4.1: 2 of 1,551,600 alleles (0.00013%); highest among the groups gnomAD compares: Non-Finnish European, 0.00017%; no homozygotes.

Submission:

Labcorp Genetics (formerly Invitae), Labcorp
Classification: Uncertain significance. Last evaluated: 2025-10-13. Review status: criteria provided, single submitter. Criteria: Invitae Variant Classification Sherloc (09022015). Collection method: clinical testing. Allele origin: germline.
Comment: This sequence change replaces leucine, which is neutral and non-polar, with valine, which is neutral and non-polar, at codon 1240 of the TET2 protein (p.Leu1240Val). This variant is not present in population databases (gnomAD no frequency). This variant has not been reported in the literature in individuals affected with TET2-related conditions. ClinVar contains an entry for this variant (Variation ID: 2762524). An algorithm developed to predict the effect of missense changes on protein structure and function (PolyPhen-2) suggests that this variant is likely to be disruptive. In summary, the available evidence is currently insufficient to determine the role of this variant in disease. Therefore, it has been classified as a Variant of Uncertain Significance.

NM_001127208.3(TET2):c.3718C>G (p.Leu1240Val)

Genes: TET2 (tet methylcytosine dioxygenase 2; plus strand), TET2-AS1 (TET2 antisense RNA 1; minus strand). Cytogenetic location: 4q24.
Variant type: single nucleotide variant.
Coding change: c.3718C>G on transcript NM_001127208.3 (MANE Select); coding-DNA position 3718, C replaced by G.
Protein change: p.Leu1240Val; replaces leucine 1240 with valine.
Molecular consequence: missense variant.
Genome position (GRCh38, 1-based): chr4:105,243,693, C>G. VCF-style: chr4-105243693-C-G. GRCh37 (hg19) VCF-style: chr4-106164850-C-G.
Other names: short protein forms L1240V.
Identifiers: ClinVar variation 2762524 (VCV002762524.3), dbSNP rs2110255393, ClinGen allele CA357805162.